The following is an entry in ClinVar:

NM_001388492.1(HTT):c.9087G>A (p.Ser3029=)

Gene: HTT (huntingtin; plus strand). Cytogenetic location: 4p16.3.
Variant type: single nucleotide variant.
Coding change: c.9087G>A on transcript NM_001388492.1 (MANE Select); coding-DNA position 9087, G replaced by A.
Protein change: p.Ser3029=; no amino-acid change (serine 3029 retained).
Molecular consequence: synonymous variant.
Genome position (GRCh38, 1-based): chr4:3,238,850, G>A. VCF-style: chr4-3238850-G-A. GRCh37 (hg19) VCF-style: chr4-3240577-G-A.
Other names: c.9093G>A, p.Ser3031= (NM_002111.8).
Identifiers: ClinVar variation 1649080 (VCV001649080.10), dbSNP rs201784554, ClinGen allele CA2825892.
Genomic context (GRCh38, chr4:3,238,850, plus strand): 5'-CACTCAGGCACCTGCTTGCTCCTTGCAGGTGTTTCAGACTCTGCACAGCACCGGGCAGTC[G>A]TCCATGGTCCGGGACTGGGTCATGCTGTCCCTCTCCAACTTCACGCAGAGGGCCCCGGTC-3'
Protein context (NP_001375421.1, residues 3019-3039): VFQTLHSTGQ[Ser3029=]SMVRDWVMLS

ClinVar aggregate classification (germline): Likely benign. Review status: criteria provided, multiple submitters, no conflicts (2 of 4 stars). 3 submissions from 3 submitters: Likely benign (3). Last evaluated 2026-08-01.

Allele frequency attached by ClinVar (database versions not stated): gnomAD 0.00004 and 0.00005; TOPMed 0.00005; gnomAD exomes 0.00009 and 0.00020; 1000 Genomes Project 30x 0.00016; 1000 Genomes Project 0.00020; ExAC 0.00033.
gnomAD v4.1: 146 of 1,612,428 alleles (0.0091%); highest among the groups gnomAD compares: African/African-American, 0.015%; 1 homozygote.

Submissions (3):

CeGaT Center for Human Genetics Tuebingen
Classification: Likely benign. Last evaluated: 2026-08-01. Review status: criteria provided, single submitter. Criteria: CeGaT Center For Human Genetics Tuebingen Variant Classification Criteria Version 2. Collection method: clinical testing. Allele origin: germline. Affected: yes. Observed: 1 variant allele.
Comment: HTT: BP4, BP7

Blueprint Genetics
Classification: Likely benign. Last evaluated: 2022-12-12. Review status: criteria provided, single submitter. Criteria: ACMG Guidelines, 2015. Collection method: clinical testing. Allele origin: germline.

Labcorp Genetics (formerly Invitae), Labcorp
Classification: Likely benign. Last evaluated: 2022-10-05. Review status: criteria provided, single submitter. Criteria: Invitae Variant Classification Sherloc (09022015). Collection method: clinical testing. Allele origin: germline.